The following is an entry in ClinVar:

NM_020779.4(WDR35):c.3026C>G (p.Thr1009Arg)

Gene: WDR35 (WD repeat domain 35; minus strand). Cytogenetic location: 2p24.1.
Variant type: single nucleotide variant.
Coding change: c.3026C>G on transcript NM_020779.4 (MANE Select); coding-DNA position 3026, C replaced by G.
Protein change: p.Thr1009Arg; replaces threonine 1009 with arginine.
Molecular consequence: missense variant.
Genome position (GRCh38, 1-based): chr2:19,930,491, G>C on the plus strand (C>G on the coding strand, the complement: WDR35 is on the minus strand). VCF-style: chr2-19930491-G-C. GRCh37 (hg19) VCF-style: chr2-20130252-G-C.
Other names: c.3059C>G, p.Thr1020Arg (NM_001006657.2); short protein forms T1020R, T1009R.
Identifiers: ClinVar variation 333372 (VCV000333372.25), dbSNP rs201153804, ClinGen allele CA1542761.

ClinVar aggregate classification (germline): Conflicting classifications of pathogenicity. Review status: criteria provided, conflicting classifications (1 of 4 stars). 8 submissions from 7 submitters: Uncertain significance (7); Likely benign (1). Last evaluated 2026-10-11.

Conditions:
Cranioectodermal dysplasia 2 (CED2). Identifiers: Orphanet 1515, MedGen C3150874, MONDO:0013323, OMIM 613610.
Short-rib thoracic dysplasia 7 with or without polydactyly (SRTD7). Also called: Short rib polydactyly syndrome 5; SHORT-RIB THORACIC DYSPLASIA 7 WITH POLYDACTYLY. Identifiers: Orphanet 498497, Orphanet 93271, MedGen C3279792, MONDO:0013569, OMIM 614091.

Allele frequency attached by ClinVar (database versions not stated): gnomAD exomes 0.00041; ExAC 0.00049; TOPMed 0.00034; ESP Exome Variant Server 0.00023; gnomAD 0.00042 and 0.00045.
gnomAD v4.1: 518 of 1,614,032 alleles (0.032%); highest among the groups gnomAD compares: Non-Finnish European, 0.042%; no homozygotes.

Submissions (8):

GeneDx
Classification: Uncertain significance. Last evaluated: 2026-10-11. Review status: criteria provided, single submitter. Criteria: GeneDx Variant Classification Process June 2021. Collection method: clinical testing. Allele origin: germline.
Comment: Reported in a cohort of patients with differences of sex development in published literature; clinical information not provided (PMID: 35432193); In silico analysis suggests that this missense variant does not alter protein structure/function; This variant is associated with the following publications: (PMID: 35432193)

Labcorp Genetics (formerly Invitae), Labcorp
Classification: Likely benign for Cranioectodermal dysplasia 2; Short-rib thoracic dysplasia 7 with or without polydactyly. Last evaluated: 2026-01-12. Review status: criteria provided, single submitter. Criteria: Invitae Variant Classification Sherloc (09022015). Collection method: clinical testing. Allele origin: germline.

Blueprint Genetics
Classification: Uncertain significance. Last evaluated: 2024-11-12. Review status: criteria provided, single submitter. Criteria: ACMG Guidelines, 2015. Collection method: clinical testing. Allele origin: germline.

Women's Health and Genetics/Laboratory Corporation of America, LabCorp
Classification: Uncertain significance. Last evaluated: 2024-09-11. Review status: criteria provided, single submitter. Criteria: LabCorp Variant Classification Summary - May 2015. Collection method: clinical testing. Allele origin: germline.
Comment: Variant summary: WDR35 c.3059C>G (p.Thr1020Arg) results in a non-conservative amino acid change in the encoded protein sequence. Three of five in-silico tools predict a benign effect of the variant on protein function. The variant allele was found at a frequency of 0.00041 in 251390 control chromosomes. This frequency is not significantly higher than estimated for a pathogenic variant in WDR35 causing WDR35-Related Disorders, allowing no conclusion about variant significance. To our knowledge, no occurrence of c.3059C>G in individuals affected with WDR35-Related Disorders and no experimental evidence demonstrating its impact on protein function have been reported. ClinVar contains an entry for this variant (Variation ID: 333372). Based on the evidence outlined above, the variant was classified as uncertain significance.

Fulgent Genetics
Classification: Uncertain significance for Cranioectodermal dysplasia 2; Short-rib thoracic dysplasia 7 with or without polydactyly. Last evaluated: 2024-03-29. Review status: criteria provided, single submitter. Criteria: ACMG Guidelines, 2015. Collection method: clinical testing. Allele origin: germline.

ARUP Laboratories, Molecular Genetics and Genomics, ARUP Laboratories
Classification: Uncertain significance. Last evaluated: 2021-10-23. Review status: criteria provided, single submitter. Criteria: ARUP Molecular Germline Variant Investigation Process 2021. Collection method: clinical testing. Allele origin: germline.
Comment: The WDR35 c.3059C>G; p.Thr1020Arg variant (rs201153804), to our knowledge, is not reported in the medical literature but is reported in ClinVar (Variation ID: 333372). This variant is found in the non-Finnish European population with an allele frequency of 0.10% (131/129120 alleles) in the Genome Aggregation Database. The threonine at codon 1020 is weakly conserved, but computational analyses are uncertain whether this variant is neutral or deleterious (REVEL: 0.179). Due to limited information, the clinical significance of the p.Thr1020Arg variant is uncertain at this time.

Illumina Laboratory Services, Illumina
Classification: Uncertain significance for Short-rib thoracic dysplasia 7 with or without polydactyly. Last evaluated: 2018-01-13. Review status: criteria provided, single submitter. Criteria: ICSL Variant Classification Criteria 13 December 2019. Collection method: clinical testing. Allele origin: germline.

Illumina Laboratory Services, Illumina
Classification: Uncertain significance for Cranioectodermal dysplasia 2. Last evaluated: 2018-01-13. Review status: criteria provided, single submitter. Criteria: ICSL Variant Classification Criteria 13 December 2019. Collection method: clinical testing. Allele origin: germline.